The following is an entry in ClinVar:

ClinVar aggregate classification (germline): Conflicting classifications of pathogenicity. Review status: criteria provided, conflicting classifications (1 of 4 stars). 3 submissions from 3 submitters: Uncertain significance (2); Likely benign (1). Last evaluated 2024-09-20.

Conditions:
Rubinstein-Taybi syndrome due to EP300 haploinsufficiency. Also called: RUBINSTEIN-TAYBI SYNDROME 2; EP300-Related Rubinstein-Taybi Syndrome. Identifiers: Orphanet 353284, Orphanet 783, MedGen C3150941, MONDO:0013364, OMIM 613684.
Menke-Hennekam syndrome 2 (MKHK2). Identifiers: MedGen C5193035, MONDO:0020769, OMIM 618333.
Colorectal cancer. Also called: Malignant Colorectal Neoplasm; Colorectal cancer, somatic. Identifiers: MedGen C0346629, MONDO:0005575, OMIM 114500.

Submissions (3):

3billion
Classification: Likely benign for Rubinstein-Taybi syndrome due to EP300 haploinsufficiency; Colorectal cancer; Menke-Hennekam syndrome 2. Last evaluated: 2024-09-20. Review status: criteria provided, single submitter. Criteria: ACMG Guidelines, 2015. Collection method: clinical testing. Allele origin: germline. Affected: no.
Comment: The variant was identified in at least one patient who was diagnosed with a different variant in another gene and showed no symptoms related to the gene containing the variant in question.

Labcorp Genetics (formerly Invitae), Labcorp
Classification: Uncertain significance for Rubinstein-Taybi syndrome due to EP300 haploinsufficiency. Last evaluated: 2023-07-03. Review status: criteria provided, single submitter. Criteria: Invitae Variant Classification Sherloc (09022015). Collection method: clinical testing. Allele origin: germline.
Comment: This sequence change replaces lysine, which is basic and polar, with threonine, which is neutral and polar, at codon 1291 of the EP300 protein (p.Lys1291Thr). This variant is not present in population databases (gnomAD no frequency). In summary, the available evidence is currently insufficient to determine the role of this variant in disease. Therefore, it has been classified as a Variant of Uncertain Significance. An algorithm developed to predict the effect of missense changes on protein structure and function (PolyPhen-2) suggests that this variant is likely to be disruptive. This variant has not been reported in the literature in individuals affected with EP300-related conditions.

Breakthrough Genomics
Classification: Uncertain significance. Review status: criteria provided, single submitter. Criteria: ACMG Guidelines, 2015. Collection method: not provided. Allele origin: germline. Inheritance: Autosomal dominant inheritance. Affected: yes.

NM_001429.4(EP300):c.3872A>C (p.Lys1291Thr)

Gene: EP300 (EP300 lysine acetyltransferase; plus strand). Cytogenetic location: 22q13.2.
Variant type: single nucleotide variant.
Coding change: c.3872A>C on transcript NM_001429.4 (MANE Select); coding-DNA position 3872, A replaced by C.
Protein change: p.Lys1291Thr; replaces lysine 1291 with threonine.
Molecular consequence: missense variant.
Genome position (GRCh38, 1-based): chr22:41,166,664, A>C. VCF-style: chr22-41166664-A-C. GRCh37 (hg19) VCF-style: chr22-41562668-A-C.
Other names: c.3794A>C, p.Lys1265Thr (NM_001362843.2); short protein forms K1291T, K1265T.
Identifiers: ClinVar variation 2732794 (VCV002732794.5), dbSNP rs2517817737, ClinGen allele CA411698764.